The following is an entry in ClinVar:

ClinVar aggregate classification (germline): Benign/Likely benign. Review status: criteria provided, multiple submitters, no conflicts (2 of 4 stars). 7 submissions from 7 submitters: Benign (6); Likely benign (1). Last evaluated 2026-02-04.

Conditions:
Inborn genetic diseases. Identifiers: MedGen C0950123, MeSH D030342.
Ornithine carbamoyltransferase deficiency (OTCD). Also called: OTC DEFICIENCY; ORNITHINE TRANSCARBAMYLASE DEFICIENCY; ORNITHINE TRANSCARBAMYLASE DEFICIENCY, HYPERAMMONEMIA DUE TO; Ornithine Carbamoyltransferase Deficiency Disease. Identifiers: Orphanet 664, MedGen C0268542, MONDO:0010703, OMIM 311250.

Allele frequency attached by ClinVar (database versions not stated): gnomAD exomes 0.00029 and 0.00098; ExAC 0.00122; gnomAD 0.00317 and 0.00341; 1000 Genomes Project 0.00318; TOPMed 0.00370; 1000 Genomes Project 30x 0.00395; ESP Exome Variant Server 0.00426.
gnomAD v4.1: 693 of 1,201,001 alleles (0.058%); highest among the groups gnomAD compares: African/African-American, 1%; 1 homozygote.

Submissions (7):

Labcorp Genetics (formerly Invitae), Labcorp
Classification: Benign for Ornithine carbamoyltransferase deficiency. Last evaluated: 2026-02-04. Review status: criteria provided, single submitter. Criteria: Invitae Variant Classification Sherloc (09022015). Collection method: clinical testing. Allele origin: germline.

Blueprint Genetics
Classification: Likely benign. Last evaluated: 2024-08-19. Review status: criteria provided, single submitter. Criteria: ACMG Guidelines, 2015. Collection method: clinical testing. Allele origin: germline.

Color Diagnostics, LLC DBA Color Health
Classification: Benign for Ornithine carbamoyltransferase deficiency. Last evaluated: 2019-03-27. Review status: criteria provided, single submitter. Criteria: ACMG Guidelines, 2015. Collection method: clinical testing. Allele origin: germline.

GeneDx
Classification: Benign. Last evaluated: 2016-06-20. Review status: criteria provided, single submitter. Criteria: GeneDx Variant Classification (06012015). Collection method: clinical testing. Allele origin: germline. Affected: yes.
Comment: This variant is considered likely benign or benign based on one or more of the following criteria: it is a conservative change, it occurs at a poorly conserved position in the protein, it is predicted to be benign by multiple in silico algorithms, and/or has population frequency not consistent with disease.

Ambry Genetics
Classification: Benign for Inborn genetic diseases. Last evaluated: 2016-05-03. Review status: criteria provided, single submitter. Criteria: Ambry Variant Classification Scheme 2023. Collection method: clinical testing. Allele origin: germline.

Breakthrough Genomics
Classification: Benign. Review status: criteria provided, single submitter. Criteria: ACMG Guidelines, 2015. Collection method: not provided. Allele origin: germline. Inheritance: X-linked inheritance. Affected: yes.

PreventionGenetics, part of Exact Sciences
Classification: Benign. Review status: criteria provided, single submitter. Criteria: ACMG Guidelines, 2015. Collection method: clinical testing. Allele origin: germline.

NM_000531.6(OTC):c.429T>C (p.Tyr143=)

Gene: OTC (ornithine transcarbamylase; plus strand). Cytogenetic location: Xp11.4.
Variant type: single nucleotide variant.
Coding change: c.429T>C on transcript NM_000531.6 (MANE Select); coding-DNA position 429, T replaced by C.
Protein change: p.Tyr143=; no amino-acid change (tyrosine 143 retained).
Molecular consequence: synonymous variant.
Genome position (GRCh38, 1-based): chrX:38,401,317, T>C. VCF-style: chrX-38401317-T-C. GRCh37 (hg19) VCF-style: chrX-38260570-T-C.
Identifiers: ClinVar variation 256370 (VCV000256370.58), dbSNP rs145777402, ClinGen allele CA10385870.